The following is an entry in ClinVar:

NM_000821.7(GGCX):c.1287+9T>A

Gene: GGCX (gamma-glutamyl carboxylase; minus strand). Cytogenetic location: 2p11.2.
Variant type: single nucleotide variant.
Coding change: c.1287+9T>A on transcript NM_000821.7 (MANE Select); 9 bases into the intron after coding-DNA position 1287, T replaced by A.
Molecular consequence: intron variant.
Genome position (GRCh38, 1-based): chr2:85,552,930, A>T on the plus strand (T>A on the coding strand, the complement: GGCX is on the minus strand). VCF-style: chr2-85552930-A-T. GRCh37 (hg19) VCF-style: chr2-85780053-A-T.
Other names: c.1116+9T>A (NM_001142269.4); c.1287+9T>A (NM_000821.6).
Identifiers: ClinVar variation 2062971 (VCV002062971.6), dbSNP rs376428228, ClinGen allele CA1741865.

ClinVar aggregate classification (germline): Likely benign. Review status: criteria provided, multiple submitters, no conflicts (2 of 4 stars). 3 submissions from 3 submitters: Likely benign (3). Last evaluated 2026-02-02.

Conditions:
GGCX-related disorder. Also called: GGCX-related condition; GGCX - Related Disorders.

Allele frequency attached by ClinVar (database versions not stated): ExAC 0.00014; TOPMed 0.00014; gnomAD 0.00023; gnomAD exomes 0.00024; ESP Exome Variant Server 0.00031.
gnomAD v4.1: 384 of 1,614,136 alleles (0.024%); highest among the groups gnomAD compares: Non-Finnish European, 0.03%; no homozygotes.

Submissions (3):

Labcorp Genetics (formerly Invitae), Labcorp
Classification: Likely benign. Last evaluated: 2026-02-02. Review status: criteria provided, single submitter. Criteria: Invitae Variant Classification Sherloc (09022015). Collection method: clinical testing. Allele origin: germline.

PreventionGenetics, part of Exact Sciences
Classification: Likely benign for GGCX-related condition. Last evaluated: 2024-12-06. Review status: criteria provided, single submitter. Criteria: ACMG Guidelines, 2015. Collection method: clinical testing. Allele origin: germline.
Comment: This variant is classified as likely benign based on ACMG/AMP sequence variant interpretation guidelines (Richards et al. 2015 PMID: 25741868, with internal and published modifications).

Blueprint Genetics
Classification: Likely benign. Last evaluated: 2024-07-10. Review status: criteria provided, single submitter. Criteria: ACMG Guidelines, 2015. Collection method: clinical testing. Allele origin: germline.